The following is an entry in ClinVar:

NM_024301.5(FKRP):c.1269_1270insT (p.Asn424Ter)

Gene: FKRP (fukutin related protein; plus strand). Cytogenetic location: 19q13.32.
Variant type: Insertion.
Coding change: c.1269_1270insT on transcript NM_024301.5 (MANE Select); coding-DNA positions 1269 to 1270, T inserted.
Protein change: p.Asn424Ter; replaces asparagine 424 with a stop codon.
Molecular consequence: nonsense.
Genome position: GRCh38 VCF-style: chr19-46756719-C-CT. GRCh37 (hg19) VCF-style: chr19-47259976-C-CT.
Other names: c.1269_1270insT, p.Asn424Ter (NM_001039885.3); c.1269_1270insT (NM_024301.4); short protein forms N424*.
Identifiers: ClinVar variation 289093 (VCV000289093.19), dbSNP rs772950604, ClinGen allele CA9532286.

ClinVar aggregate classification (germline): Pathogenic/Likely pathogenic. Review status: criteria provided, multiple submitters, no conflicts (2 of 4 stars). 4 submissions from 4 submitters: Pathogenic (3); Likely pathogenic (1). Last evaluated 2025-09-07.

Conditions:
Cardiovascular phenotype. Identifiers: MedGen CN230736.
Walker-Warburg congenital muscular dystrophy. Also called: Muscular dystrophy-dystroglycanopathy, type A; Walker-Warburg syndrome. Identifiers: Orphanet 899, MedGen C0265221, MONDO:0000171.
Muscular dystrophy-dystroglycanopathy (congenital with brain and eye anomalies), type A5. Also called: WALKER-WARBURG SYNDROME OR MUSCLE-EYE-BRAIN DISEASE, FKRP-RELATED; MUSCULAR DYSTROPHY-DYSTROGLYCANOPATHY (CONGENITAL WITH BRAIN AND EYE ANOMALIES), TYPE A, 5. Identifiers: Orphanet 588, Orphanet 899, MedGen C3150413, MONDO:0013157, OMIM 613153.

Allele frequency attached by ClinVar (database versions not stated): ExAC 0.00001; gnomAD 0.00001; ESP Exome Variant Server 0.00008.

Submissions (4):

Labcorp Genetics (formerly Invitae), Labcorp
Classification: Pathogenic for Walker-Warburg congenital muscular dystrophy. Last evaluated: 2025-09-07. Review status: criteria provided, single submitter. Criteria: Invitae Variant Classification Sherloc (09022015). Collection method: clinical testing. Allele origin: germline.
Comment: This sequence change creates a premature translational stop signal (p.Asn424*) in the FKRP gene. While this is not anticipated to result in nonsense mediated decay, it is expected to disrupt the last 72 amino acid(s) of the FKRP protein. This variant is not present in population databases (gnomAD no frequency). This variant has not been reported in the literature in individuals affected with FKRP-related conditions. ClinVar contains an entry for this variant (Variation ID: 289093). This variant disrupts a region of the FKRP protein in which other variant(s) (p.Ile478Thr) have been determined to be pathogenic (PMID: 16476814, 18639457, 19299310). This suggests that this is a clinically significant region of the protein, and that variants that disrupt it are likely to be disease-causing. For these reasons, this variant has been classified as Pathogenic.

Ambry Genetics
Classification: Pathogenic for Cardiovascular phenotype. Last evaluated: 2023-05-25. Review status: criteria provided, single submitter. Criteria: Ambry Variant Classification Scheme 2023. Collection method: clinical testing. Allele origin: germline.
Comment: The c.1269_1270insT pathogenic mutation, located in coding exon 1 of the FKRP gene, results from an insertion of one nucleotide at position 1269, causing a translational frameshift with a predicted alternate stop codon (p.N424*). This alteration occurs at the 3' terminus of theFKRP gene, is not expected to trigger nonsense-mediated mRNA decay, and impacts the last 72 amino acids (~15%) of the protein. However, premature stop codons are typically deleterious in nature, a significant portion of the protein is affected, and the impacted region is critical for protein function (Ambry internal data). This variant is considered to be rare based on population cohorts in the Genome Aggregation Database (gnomAD). Based on the supporting evidence, this alteration is interpreted as a disease-causing mutation.

Baylor Genetics
Classification: Likely pathogenic for Muscular dystrophy-dystroglycanopathy (congenital with brain and eye anomalies), type A5. Last evaluated: 2022-05-11. Review status: criteria provided, single submitter. Criteria: ACMG Guidelines, 2015. Collection method: clinical testing. Allele origin: unknown.

Eurofins Ntd Llc (ga)
Classification: Pathogenic. Last evaluated: 2016-07-08. Review status: criteria provided, single submitter. Criteria: EGL Classification Definitions 2015. Collection method: clinical testing. Allele origin: germline. Observed: 1 variant allele, 1 heterozygote.

Literature cited by the submitters: PubMed 16476814 (cited by Labcorp Genetics (formerly Invitae), Labcorp); PubMed 18639457 (cited by Labcorp Genetics (formerly Invitae), Labcorp); PubMed 19299310 (cited by Labcorp Genetics (formerly Invitae), Labcorp).